The following is an entry in ClinVar:

ClinVar aggregate classification (germline): Likely pathogenic (1 of 4 stars; one submission).

Conditions:
Deficiency of alpha-mannosidase (MANSA). Also called: Mannosidosis, alpha-, types I and II; LYSOSOMAL ALPHA-D-MANNOSIDASE DEFICIENCY; Alpha-Mannosidosis. Identifiers: Orphanet 61, MedGen C0024748, MONDO:0009561, OMIM 248500.

Submission:

Myriad Genetics, Inc.
Classification: Likely pathogenic for Deficiency of alpha-mannosidase. Last evaluated: 2021-12-16. Review status: criteria provided, single submitter. Criteria: Myriad Women's Health Autosomal Recessive and X-Linked Classification Criteria (2021). Collection method: clinical testing. Allele origin: unknown.
Comment: NM_000528.3(MAN2B1):c.2294_2295delTG(L765Qfs*31) is expected to be pathogenic in the context of alpha-mannosidosis. This variant is predicted to lead to an abnormal or absent protein product due to the creation of a premature termination codon in MAN2B1, a gene where loss-of-function variants are known to be pathogenic. Please note: this variant was assessed in the context of healthy population screening.

NM_000528.4(MAN2B1):c.2294_2295del (p.Leu765fs)

Gene: MAN2B1 (mannosidase alpha class 2B member 1; minus strand). Cytogenetic location: 19p13.13.
Variant type: Deletion.
Coding change: c.2294_2295del on transcript NM_000528.4 (MANE Select); coding-DNA positions 2294 to 2295, 2 bases deleted (TG; older notation c.2294_2295delTG).
Protein change: p.Leu765fs; shifts the reading frame from leucine 765.
Molecular consequence: frameshift variant.
Genome position (GRCh38, 1-based): chr19:12,649,401-12,649,402, CA deleted on the plus strand (TG on the coding strand, the reverse complement: MAN2B1 is on the minus strand). VCF-style (leftmost placement, unchanged base first): chr19-12649400-TCA-T. GRCh37 (hg19) VCF-style: chr19-12760214-TCA-T.
Other names: c.2291_2292del, p.Leu764fs (NM_001173498.2); short protein forms L764fs, L765fs.
Identifiers: ClinVar variation 1726337 (VCV001726337.2), dbSNP rs2512488396, ClinGen allele CA2580096680.